The following is an entry in ClinVar:

NM_001005373.4(LRSAM1):c.1632G>A (p.Gln544=)

Gene: LRSAM1 (leucine rich repeat and sterile alpha motif containing 1; plus strand). Cytogenetic location: 9q33.3.
Variant type: single nucleotide variant.
Coding change: c.1632G>A on transcript NM_001005373.4 (MANE Select); coding-DNA position 1632, G replaced by A.
Protein change: p.Gln544=; no amino-acid change (glutamine 544 retained).
Molecular consequence: synonymous variant. On other transcripts: non-coding transcript variant (2), intron variant (1).
Genome position (GRCh38, 1-based): chr9:127,495,352, G>A. VCF-style: chr9-127495352-G-A. GRCh37 (hg19) VCF-style: chr9-130257631-G-A.
Other names: c.1632G>A, p.Gln544= (NM_001005374.4, NM_001384142.1, NM_138361.5); c.1551G>A, p.Gln517= (NM_001190723.3); c.843G>A, p.Gln281= (NM_001384144.1); c.1600-612G>A (NM_001384143.1).
Identifiers: ClinVar variation 540020 (VCV000540020.11), dbSNP rs762712712, ClinGen allele CA5247082.
Genomic context (GRCh38, chr9:127,495,352, plus strand): 5'-CTAACATTGCCTGCTTCATTCCTGGCAGACGGAGTTAGAAGCCAAAAGTGAAACCAGGCA[G>A]GAAAATTACTGGCTGATTCAGTATCAACGGCTTTTGAACCAGAAGCCCTTGTCCTTGAAG-3'
Protein context (NP_001005373.1, residues 534-554): TELEAKSETR[Gln544=]ENYWLIQYQR

ClinVar aggregate classification (germline): Likely benign. Review status: criteria provided, multiple submitters, no conflicts (2 of 4 stars). 3 submissions from 3 submitters: Likely benign (3). Last evaluated 2026-04-23.

Conditions:
LRSAM1-related disorder. Also called: LRSAM1-related condition.
Charcot-Marie-Tooth disease axonal type 2P. Also called: Charcot-Marie-Tooth Neuropathy Type 2G; CHARCOT-MARIE-TOOTH DISEASE, AXONAL, TYPE 2G; CMT 2G; CHARCOT-MARIE-TOOTH NEUROPATHY, TYPE 2P. Identifiers: Orphanet 300319, Orphanet 99941, MedGen C3280797, MONDO:0013753, OMIM 614436.

Allele frequency attached by ClinVar (database versions not stated): TOPMed 0.00002; ExAC 0.00003; gnomAD exomes 0.00003 and 0.00006; gnomAD 0.00004.
gnomAD v4.1: 94 of 1,613,988 alleles (0.0058%); highest among the groups gnomAD compares: Non-Finnish European, 0.0078%; no homozygotes.

Submissions (3):

PreventionGenetics, part of Exact Sciences
Classification: Likely benign for LRSAM1-related condition. Last evaluated: 2026-04-23. Review status: criteria provided, single submitter. Criteria: ACMG Guidelines, 2015. Collection method: clinical testing. Allele origin: germline.
Comment: This variant is classified as likely benign based on ACMG/AMP sequence variant interpretation guidelines (Richards et al. 2015 PMID: 25741868, with internal and published modifications).

Labcorp Genetics (formerly Invitae), Labcorp
Classification: Likely benign for Charcot-Marie-Tooth disease axonal type 2P. Last evaluated: 2025-08-04. Review status: criteria provided, single submitter. Criteria: Invitae Variant Classification Sherloc (09022015). Collection method: clinical testing. Allele origin: germline.

Blueprint Genetics
Classification: Likely benign. Last evaluated: 2024-05-29. Review status: criteria provided, single submitter. Criteria: ACMG Guidelines, 2015. Collection method: clinical testing. Allele origin: germline.